The following is an entry in ClinVar:

ClinVar aggregate classification (germline): Uncertain significance. Review status: criteria provided, multiple submitters, no conflicts (2 of 4 stars). 2 submissions from 2 submitters: Uncertain significance (2). Last evaluated 2023-07-03.

Conditions:
Cardiovascular phenotype. Identifiers: MedGen CN230736.

Submissions (2):

Ambry Genetics
Classification: Uncertain significance for Cardiovascular phenotype. Last evaluated: 2023-07-03. Review status: criteria provided, single submitter. Criteria: Ambry Variant Classification Scheme 2023. Collection method: clinical testing. Allele origin: germline.
Comment: The p.C388G variant (also known as c.1162T>G), located in coding exon 2 of the TNXB gene, results from a T to G substitution at nucleotide position 1162. The cysteine at codon 388 is replaced by glycine, an amino acid with highly dissimilar properties. This amino acid position is conserved. In addition, the in silico prediction for this alteration is inconclusive. Since supporting evidence is limited at this time, the clinical significance of this alteration remains unclear.

GeneDx
Classification: Uncertain significance. Last evaluated: 2019-12-02. Review status: criteria provided, single submitter. Criteria: GeneDx Variant Classification Process June 2021. Collection method: clinical testing. Allele origin: germline. Affected: yes.
Comment: Has not been previously published as pathogenic or benign to our knowledge; Not observed in large population cohorts (Lek et al., 2016); In silico analysis, which includes protein predictors and evolutionary conservation, supports a deleterious effect

NM_001365276.2(TNXB):c.1162T>G (p.Cys388Gly)

Gene: TNXB (tenascin XB; minus strand). Cytogenetic location: 6p21.33.
Variant type: single nucleotide variant.
Coding change: c.1162T>G on transcript NM_001365276.2 (MANE Select); coding-DNA position 1162, T replaced by G.
Protein change: p.Cys388Gly; replaces cysteine 388 with glycine.
Molecular consequence: missense variant.
Genome position (GRCh38, 1-based): chr6:32,096,691, A>C on the plus strand (T>G on the coding strand, the complement: TNXB is on the minus strand). VCF-style: chr6-32096691-A-C. GRCh37 (hg19) VCF-style: chr6-32064468-A-C.
Other names: c.1162T>G, p.Cys388Gly (NM_019105.8); short protein forms C388G.
Identifiers: ClinVar variation 1310595 (VCV001310595.4), dbSNP rs1307690516, ClinGen allele CA363483330.
Genomic context (GRCh38, chr6:32,096,691, plus strand): 5'-AGTCGCCAGGGCAGCTGCGCACGCCGCAGTCGTCCCCGCTGTAGCCCGTGTCGCAAATGC[A>C]TTCGCCGTCCTCGCAGCGCCCGCGGCCCCGGCAGTCCCTCGGACATGTCCGCGTGCTGCA-3'
Protein context (NP_001352205.1, residues 378-398): RGRGRCEDGE[Cys388Gly]ICDTGYSGDD